The following is an entry in ClinVar:

NM_032578.4(MYPN):c.3127del (p.Ser1043fs)

Gene: MYPN (myopalladin; plus strand). Cytogenetic location: 10q21.3.
Variant type: Deletion.
Coding change: c.3127del on transcript NM_032578.4 (MANE Select); coding-DNA position 3127, one base deleted (A; older notation c.3127delA).
Protein change: p.Ser1043fs; shifts the reading frame from serine 1043.
Molecular consequence: frameshift variant. On other transcripts: non-coding transcript variant (2).
Genome position (GRCh38, 1-based): chr10:68,195,501, A deleted. VCF-style (leftmost placement, unchanged base first): chr10-68195500-CA-C. GRCh37 (hg19) VCF-style: chr10-69955257-CA-C.
Other names: c.3127del, p.Ser1043fs (NM_001256267.2); c.2245del, p.Ser749fs (NM_001256268.2); c.3127delA (NM_032578.3, NM_032578.2); short protein forms S749fs, S1043fs.
Identifiers: ClinVar variation 661274 (VCV000661274.9), dbSNP rs1589608098, ClinGen allele CA915945941.

ClinVar aggregate classification (germline): Pathogenic/Likely pathogenic. Review status: criteria provided, multiple submitters, no conflicts (2 of 4 stars). 4 submissions from 4 submitters: Pathogenic (3); Likely pathogenic (1). Last evaluated 2026-09-02.

Conditions:
Cardiovascular phenotype. Identifiers: MedGen CN230736.
Dilated cardiomyopathy 1KK (CMD1KK). Identifiers: Orphanet 154, Orphanet 75249, MedGen C3714995, MONDO:0014100, OMIM 615248.

Allele frequency attached by ClinVar (database versions not stated): gnomAD exomes below 0.00001; TOPMed 0.00001.

Submissions (4):

Ambry Genetics
Classification: Pathogenic for Cardiovascular phenotype. Last evaluated: 2026-09-02. Review status: criteria provided, single submitter. Criteria: Ambry Variant Classification Scheme 2023. Collection method: clinical testing. Allele origin: germline.
Comment: The c.3127delA pathogenic mutation, located in coding exon 14 of the MYPN gene, results from a deletion of one nucleotide at nucleotide position 3127, causing a translational frameshift with a predicted alternate stop codon (p.S1043Vfs*3). This variant is considered to be rare based on population cohorts in the Genome Aggregation Database (gnomAD). This alteration is expected to result in loss of function by premature protein truncation or nonsense-mediated mRNA decay. As such, this alteration is interpreted as a disease-causing mutation.

Labcorp Genetics (formerly Invitae), Labcorp
Classification: Pathogenic for Dilated cardiomyopathy 1KK. Last evaluated: 2025-06-12. Review status: criteria provided, single submitter. Criteria: Invitae Variant Classification Sherloc (09022015). Collection method: clinical testing. Allele origin: germline.
Comment: This sequence change creates a premature translational stop signal (p.Ser1043Valfs*3) in the MYPN gene. It is expected to result in an absent or disrupted protein product. Loss-of-function variants in MYPN are known to be pathogenic (PMID: 28017374). This variant is not present in population databases (gnomAD no frequency). This variant has not been reported in the literature in individuals affected with MYPN-related conditions. ClinVar contains an entry for this variant (Variation ID: 661274). For these reasons, this variant has been classified as Pathogenic.

Dasa
Classification: Pathogenic. Last evaluated: 2024-05-27. Review status: criteria provided, single submitter. Criteria: DASA Assertion Criteria. Collection method: clinical testing. Allele origin: germline.
Comment: NM_032578.4(MYPN):c.3127del (p.Ser1043Valfs*3) introduces a premature termination codon predicted to result in loss of normal protein function. Loss-of-function is an established mechanism of disease for this gene. Based on the available data, this variant is classified as pathogenic.

AiLife Diagnostics
Classification: Likely pathogenic. Last evaluated: 2022-01-20. Review status: criteria provided, single submitter. Criteria: ACMG Guidelines, 2015. Collection method: clinical testing. Allele origin: germline. Affected: yes. Observed: 1 variant allele.

Literature cited by the submitters: PubMed 28017374 (cited by Labcorp Genetics (formerly Invitae), Labcorp).